The following is an entry in ClinVar:

NM_001378.3(DYNC1I2):c.771-6T>C

Gene: DYNC1I2 (dynein cytoplasmic 1 intermediate chain 2; plus strand). Cytogenetic location: 2q31.1.
Variant type: single nucleotide variant.
Coding change: c.771-6T>C on transcript NM_001378.3 (MANE Select); 6 bases into the intron before coding-DNA position 771, T replaced by C.
Molecular consequence: intron variant.
Genome position (GRCh38, 1-based): chr2:171,726,188, T>C. VCF-style: chr2-171726188-T-C. GRCh37 (hg19) VCF-style: chr2-172582698-T-C.
Other names: c.747-6T>C (NM_001271786.2, NM_001271787.2); c.753-6T>C (NM_001320882.2, NM_001378455.1, NM_001320883.2 and 1 more transcripts); c.693-6T>C (NM_001271788.2, NM_001271790.2, NM_001271789.2 and 1 more transcripts); c.771-6T>C (NM_001271785.2).
Identifiers: ClinVar variation 5038879 (VCV005038879.1).

ClinVar aggregate classification (germline): Likely benign (1 of 4 stars; one submission).

gnomAD v4.1: 68 of 1,604,510 alleles (0.0042%); highest among the groups gnomAD compares: Admixed American, 0.1%; no homozygotes.

Submission:

CeGaT Center for Human Genetics Tuebingen
Classification: Likely benign. Last evaluated: 2026-07-01. Review status: criteria provided, single submitter. Criteria: CeGaT Center For Human Genetics Tuebingen Variant Classification Criteria Version 2. Collection method: clinical testing. Allele origin: germline. Affected: yes. Observed: 1 variant allele.
Comment: DYNC1I2: BP4